The following is an entry in ClinVar:

NM_015662.3(IFT172):c.3016A>G (p.Met1006Val)

Gene: IFT172 (intraflagellar transport 172; minus strand). Cytogenetic location: 2p23.3.
Variant type: single nucleotide variant.
Coding change: c.3016A>G on transcript NM_015662.3 (MANE Select); coding-DNA position 3016, A replaced by G.
Protein change: p.Met1006Val; replaces methionine 1006 with valine.
Molecular consequence: missense variant.
Genome position (GRCh38, 1-based): chr2:27,457,936, T>C on the plus strand (A>G on the coding strand, the complement: IFT172 is on the minus strand). VCF-style: chr2-27457936-T-C. GRCh37 (hg19) VCF-style: chr2-27680803-T-C.
Other names: c.2950A>G, p.Met984Val (NM_001410739.1); short protein forms M984V, M1006V.
Identifiers: ClinVar variation 4783372 (VCV004783372.2).

ClinVar aggregate classification (germline): Uncertain significance. Review status: criteria provided, multiple submitters, no conflicts (2 of 4 stars). 2 submissions from 2 submitters: Uncertain significance (2). Last evaluated 2025-12-15.

Conditions:
Short-rib thoracic dysplasia 10 with or without polydactyly (SRTD10). Identifiers: Orphanet 474, MedGen C3810175, MONDO:0014284, OMIM 615630.
Retinitis pigmentosa 71 (RP71). Identifiers: Orphanet 791, MedGen C4225342, MONDO:0014618, OMIM 616394.

Submissions (2):

Labcorp Genetics (formerly Invitae), Labcorp
Classification: Uncertain significance for Retinitis pigmentosa 71; Short-rib thoracic dysplasia 10 with or without polydactyly. Last evaluated: 2025-12-15. Review status: criteria provided, single submitter. Criteria: Invitae Variant Classification Sherloc (09022015). Collection method: clinical testing. Allele origin: germline.
Comment: This sequence change replaces methionine, which is neutral and non-polar, with valine, which is neutral and non-polar, at codon 1006 of the IFT172 protein (p.Met1006Val). This variant is present in population databases (no rsID available, gnomAD 0.004%). This variant has not been reported in the literature in individuals affected with IFT172-related conditions. Invitae Evidence Modeling of protein sequence and biophysical properties (such as structural, functional, and spatial information, amino acid conservation, physicochemical variation, residue mobility, and thermodynamic stability) has been performed for this missense variant. However, the output from this modeling did not meet the statistical confidence thresholds required to predict the impact of this variant on IFT172 protein function. In summary, the available evidence is currently insufficient to determine the role of this variant in disease. Therefore, it has been classified as a Variant of Uncertain Significance.

Blueprint Genetics
Classification: Uncertain significance. Last evaluated: 2024-04-30. Review status: criteria provided, single submitter. Criteria: ACMG Guidelines, 2015. Collection method: clinical testing. Allele origin: germline.